The following is an entry in ClinVar:

NM_001271938.2(MEGF8):c.8029G>C (p.Asp2677His)

Gene: MEGF8 (multiple EGF like domains 8; plus strand). Cytogenetic location: 19q13.2.
Variant type: single nucleotide variant.
Coding change: c.8029G>C on transcript NM_001271938.2 (MANE Select); coding-DNA position 8029, G replaced by C.
Protein change: p.Asp2677His; replaces aspartic acid 2677 with histidine.
Molecular consequence: missense variant.
Genome position (GRCh38, 1-based): chr19:42,376,266, G>C. VCF-style: chr19-42376266-G-C. GRCh37 (hg19) VCF-style: chr19-42880418-G-C.
Other names: c.7828G>C, p.Asp2610His (NM_001410.3); short protein forms D2610H, D2677H.
Identifiers: ClinVar variation 3377913 (VCV003377913.1).
Genomic context (GRCh38, chr19:42,376,266, plus strand): 5'-TCCTGCTTCTTCCTCTTCCTCTCACTCTGTGTGCTCCTCTGGAAGGCCAAGCAGGCTCTG[G>C]ACCAGCGGCAGGAGCAGCGCCGGCACTTGCAGGAGATGACCAAGATGGCCAGCCGCCCCT-3'
Protein context (NP_001258867.1, residues 2667-2687): VLLWKAKQAL[Asp2677His]QRQEQRRHLQ

ClinVar aggregate classification (germline): Uncertain significance (1 of 4 stars; one submission).

Submission:

GeneDx
Classification: Uncertain significance. Last evaluated: 2024-05-16. Review status: criteria provided, single submitter. Criteria: GeneDx Variant Classification Process June 2021. Collection method: clinical testing. Allele origin: germline. Affected: yes.
Comment: In silico analysis supports that this missense variant has a deleterious effect on protein structure/function; Has not been previously published as pathogenic or benign to our knowledge